The following is an entry in ClinVar:

NM_024306.5(FA2H):c.117C>G (p.Phe39Leu)

Genes: FA2H (fatty acid 2-hydroxylase; minus strand), LOC130059394 (ATAC-STARR-seq lymphoblastoid silent region 7701; plus strand). Cytogenetic location: 16q23.1.
Variant type: single nucleotide variant.
Coding change: c.117C>G on transcript NM_024306.5 (MANE Select); coding-DNA position 117, C replaced by G.
Protein change: p.Phe39Leu; replaces phenylalanine 39 with leucine.
Molecular consequence: missense variant.
Genome position (GRCh38, 1-based): chr16:74,774,639, G>C on the plus strand (C>G on the coding strand, the complement: FA2H is on the minus strand). VCF-style: chr16-74774639-G-C. GRCh37 (hg19) VCF-style: chr16-74808537-G-C.
Other names: short protein forms F39L.
Identifiers: ClinVar variation 2194147 (VCV002194147.4), dbSNP rs794729215, ClinGen allele CA396768381.

ClinVar aggregate classification (germline): Pathogenic (1 of 4 stars; one submission).

Conditions:
Spastic paraplegia. Identifiers: MedGen C0037772, HP:0001258.

Allele frequency attached by ClinVar (database versions not stated): gnomAD 0.00001.

Submission:

Labcorp Genetics (formerly Invitae), Labcorp
Classification: Pathogenic for Spastic paraplegia. Last evaluated: 2022-07-23. Review status: criteria provided, single submitter. Criteria: Invitae Variant Classification Sherloc (09022015). Collection method: clinical testing. Allele origin: germline.
Comment: A different variant (c.117C>A) giving rise to the same protein effect has been determined to be pathogenic (PMID: 25732363; Invitae). This suggests that this variant is also likely to be causative of disease. For these reasons, this variant has been classified as Pathogenic. Advanced modeling of protein sequence and biophysical properties (such as structural, functional, and spatial information, amino acid conservation, physicochemical variation, residue mobility, and thermodynamic stability) performed at Invitae indicates that this missense variant is expected to disrupt FA2H protein function. This variant is present in population databases (no rsID available, gnomAD 0.01%). This sequence change replaces phenylalanine, which is neutral and non-polar, with leucine, which is neutral and non-polar, at codon 39 of the FA2H protein (p.Phe39Leu).

Literature cited by the submitters: PubMed 25732363.